The following is an entry in ClinVar:

NM_004366.6(CLCN2):c.2082C>T (p.Pro694=)

Gene: CLCN2 (chloride voltage-gated channel 2; minus strand). Cytogenetic location: 3q27.1.
Variant type: single nucleotide variant.
Coding change: c.2082C>T on transcript NM_004366.6 (MANE Select); coding-DNA position 2082, C replaced by T.
Protein change: p.Pro694=; no amino-acid change (proline 694 retained).
Molecular consequence: synonymous variant.
Genome position (GRCh38, 1-based): chr3:184,353,094, G>A on the plus strand (C>T on the coding strand, the complement: CLCN2 is on the minus strand). VCF-style: chr3-184353094-G-A. GRCh37 (hg19) VCF-style: chr3-184070882-G-A.
Other names: c.2031C>T, p.Pro677= (NM_001171087.3); c.1950C>T, p.Pro650= (NM_001171088.3); c.2082C>T, p.Pro694= (NM_001171089.3).
Identifiers: ClinVar variation 809575 (VCV000809575.47), dbSNP rs148009209, ClinGen allele CA2733868.
Genomic context (GRCh38, chr3:184,353,094, plus strand): 5'-TGTGGGACTCTCTCCGAGGTTCCTGGTGACACTGGGCCCCCTCTTGAGTGCAGGCTTTAG[G>A]GGCTTGTGGGTCTCCCCCCGGGCTGCTGGGAAGGCTGAGTCTTCTGTGTTCACCTGCATA-3'
Protein context (NP_004357.3, residues 684-704): FPAARGETHK[Pro694=]LKPALKRGPS

ClinVar aggregate classification (germline): Likely benign. Review status: criteria provided, multiple submitters, no conflicts (2 of 4 stars). 3 submissions from 3 submitters: Likely benign (3). Last evaluated 2025-10-04.

Allele frequency attached by ClinVar (database versions not stated): ExAC 0.00015; ESP Exome Variant Server 0.00015; TOPMed 0.00019; gnomAD 0.00021 and 0.00022; gnomAD exomes 0.00021 and 0.00013.
gnomAD v4.1: 331 of 1,614,016 alleles (0.021%); highest among the groups gnomAD compares: Non-Finnish European, 0.024%; no homozygotes.

Submissions (3):

Labcorp Genetics (formerly Invitae), Labcorp
Classification: Likely benign. Last evaluated: 2025-10-04. Review status: criteria provided, single submitter. Criteria: Invitae Variant Classification Sherloc (09022015). Collection method: clinical testing. Allele origin: germline.

Blueprint Genetics
Classification: Likely benign. Last evaluated: 2024-10-16. Review status: criteria provided, single submitter. Criteria: ACMG Guidelines, 2015. Collection method: clinical testing. Allele origin: germline.

CeGaT Center for Human Genetics Tuebingen
Classification: Likely benign. Last evaluated: 2024-07-01. Review status: criteria provided, single submitter. Criteria: CeGaT Center For Human Genetics Tuebingen Variant Classification Criteria Version 2. Collection method: clinical testing. Allele origin: germline. Affected: yes. Observed: 4 variant alleles.
Comment: CLCN2: BP4, BP7